The following is an entry in ClinVar:

NM_015895.5(GMNN):c.205G>A (p.Val69Ile)

Gene: GMNN (geminin DNA replication inhibitor; plus strand). Cytogenetic location: 6p22.3.
Variant type: single nucleotide variant.
Coding change: c.205G>A on transcript NM_015895.5 (MANE Select); coding-DNA position 205, G replaced by A.
Protein change: p.Val69Ile; replaces valine 69 with isoleucine.
Molecular consequence: missense variant.
Genome position (GRCh38, 1-based): chr6:24,781,552, G>A. VCF-style: chr6-24781552-G-A. GRCh37 (hg19) VCF-style: chr6-24781780-G-A.
Other names: c.205G>A, p.Val69Ile (NM_001251989.2, NM_001251990.2, NM_001251991.1); short protein forms V69I.
Identifiers: ClinVar variation 1933804 (VCV001933804.5), dbSNP rs2532435779, ClinGen allele CA362990130.
Genomic context (GRCh38, chr6:24,781,552, plus strand): 5'-TCCAAAAGGAAACATCGGAATGACCACTTAACATCTACAACTTCCAGCCCTGGGGTTATT[G>A]TCCCAGAATCTAGTGAAAATAAAAATCTTGGAGGAGTCACCCAGGAGTCATTTGATCTTA-3'
Protein context (NP_056979.1, residues 59-79): TSTTSSPGVI[Val69Ile]PESSENKNLG

ClinVar aggregate classification (germline): Uncertain significance (1 of 4 stars; one submission).

Allele frequency attached by ClinVar (database versions not stated): gnomAD exomes below 0.00001.

Submission:

Labcorp Genetics (formerly Invitae), Labcorp
Classification: Uncertain significance. Last evaluated: 2022-09-17. Review status: criteria provided, single submitter. Criteria: Invitae Variant Classification Sherloc (09022015). Collection method: clinical testing. Allele origin: germline.
Comment: This variant has not been reported in the literature in individuals affected with GMNN-related conditions. This sequence change replaces valine, which is neutral and non-polar, with isoleucine, which is neutral and non-polar, at codon 69 of the GMNN protein (p.Val69Ile). This variant is not present in population databases (gnomAD no frequency). Algorithms developed to predict the effect of missense changes on protein structure and function output the following: SIFT: "Tolerated"; PolyPhen-2: "Benign"; Align-GVGD: "Class C0". The isoleucine amino acid residue is found in multiple mammalian species, which suggests that this missense change does not adversely affect protein function. In summary, the available evidence is currently insufficient to determine the role of this variant in disease. Therefore, it has been classified as a Variant of Uncertain Significance.